The following is an entry in ClinVar:

ClinVar aggregate classification (germline): Uncertain significance (1 of 4 stars; one submission).

Allele frequency attached by ClinVar (database versions not stated): gnomAD exomes 0.00001 and 0.00003; ExAC 0.00002; TOPMed 0.00004; gnomAD 0.00007 and 0.00008; ESP Exome Variant Server 0.00008; 1000 Genomes Project 30x 0.00016; 1000 Genomes Project 0.00020.
gnomAD v4.1: 33 of 1,614,064 alleles (0.002%); highest among the groups gnomAD compares: Middle Eastern, 0.033%; no homozygotes.

Submission:

Labcorp Genetics (formerly Invitae), Labcorp
Classification: Uncertain significance. Last evaluated: 2022-08-09. Review status: criteria provided, single submitter. Criteria: Invitae Variant Classification Sherloc (09022015). Collection method: clinical testing. Allele origin: germline.
Comment: This sequence change replaces proline, which is neutral and non-polar, with serine, which is neutral and polar, at codon 391 of the MMP2 protein (p.Pro391Ser). This variant is present in population databases (rs144793025, gnomAD 0.009%). This variant has not been reported in the literature in individuals affected with MMP2-related conditions. ClinVar contains an entry for this variant (Variation ID: 1346645). Algorithms developed to predict the effect of missense changes on protein structure and function are either unavailable or do not agree on the potential impact of this missense change (SIFT: "Tolerated"; PolyPhen-2: "Probably Damaging"; Align-GVGD: "Class C25"). In summary, the available evidence is currently insufficient to determine the role of this variant in disease. Therefore, it has been classified as a Variant of Uncertain Significance.

NM_004530.6(MMP2):c.1171C>T (p.Pro391Ser)

Gene: MMP2 (matrix metallopeptidase 2; plus strand). Cytogenetic location: 16q12.2.
Variant type: single nucleotide variant.
Coding change: c.1171C>T on transcript NM_004530.6 (MANE Select); coding-DNA position 1171, C replaced by T.
Protein change: p.Pro391Ser; replaces proline 391 with serine.
Molecular consequence: missense variant.
Genome position (GRCh38, 1-based): chr16:55,489,815, C>T. VCF-style: chr16-55489815-C-T. GRCh37 (hg19) VCF-style: chr16-55523727-C-T.
Other names: c.943C>T, p.Pro315Ser (NM_001302510.2, NM_001302508.1, NM_001302509.2); c.1021C>T, p.Pro341Ser (NM_001127891.3); short protein forms P391S, P315S, P341S.
Identifiers: ClinVar variation 1346645 (VCV001346645.5), dbSNP rs144793025, ClinGen allele CA8060323.